The following is an entry in ClinVar:

ClinVar aggregate classification (germline): Likely benign (1 of 4 stars; one submission).

Allele frequency attached by ClinVar (database versions not stated): gnomAD 0.00015; 1000 Genomes Project 30x 0.00016; 1000 Genomes Project 0.00020; gnomAD exomes 0.00020; TOPMed 0.00020; ExAC 0.00036.
gnomAD v4.1: 315 of 1,578,158 alleles (0.02%); highest among the groups gnomAD compares: Middle Eastern, 0.022%; 15 homozygotes.

Submission:

CeGaT Center for Human Genetics Tuebingen
Classification: Likely benign. Last evaluated: 2024-05-01. Review status: criteria provided, single submitter. Criteria: CeGaT Center For Human Genetics Tuebingen Variant Classification Criteria Version 2. Collection method: clinical testing. Allele origin: germline. Affected: yes. Observed: 1 variant allele.
Comment: CGB7: BP4, BP7

NM_001385261.1(CGB7):c.93C>G (p.Pro31=)

Gene: CGB7 (chorionic gonadotropin subunit beta 7; minus strand). Cytogenetic location: 19q13.33.
Variant type: single nucleotide variant.
Coding change: c.93C>G on transcript NM_001385261.1 (MANE Select); coding-DNA position 93, C replaced by G.
Protein change: p.Pro31=; no amino-acid change (proline 31 retained).
Molecular consequence: synonymous variant.
Genome position (GRCh38, 1-based): chr19:49,054,931, G>C on the plus strand (C>G on the coding strand, the complement: CGB7 is on the minus strand). VCF-style: chr19-49054931-G-C. GRCh37 (hg19) VCF-style: chr19-49558188-G-C.
Other names: c.93C>G, p.Pro31= (NM_033142.2).
Identifiers: ClinVar variation 3239054 (VCV003239054.19), dbSNP rs563652672.